The following is an entry in ClinVar:

NM_000152.5(GAA):c.956-2_956del

Gene: GAA (alpha glucosidase; plus strand). Cytogenetic location: 17q25.3.
Variant type: Deletion.
Coding change: c.956-2_956del on transcript NM_000152.5 (MANE Select); the canonical splice acceptor site of the intron before coding-DNA position 956 through coding-DNA position 956, 3 bases deleted (AGA; older notation c.956-2_956delAGA).
Molecular consequence: splice acceptor variant.
Genome position (GRCh38, 1-based): chr17:80,108,288-80,108,290, AGA deleted. VCF-style (leftmost placement, unchanged base first): chr17-80108287-CAGA-C. GRCh37 (hg19) VCF-style: chr17-78082086-CAGA-C.
Other names: c.956-2_956del (NM_001406741.1, NM_001406742.1, NM_001079803.3 and 1 more transcripts).
Identifiers: ClinVar variation 4817598 (VCV004817598.1).

ClinVar aggregate classification (germline): Likely pathogenic (1 of 4 stars; one submission).

Conditions:
Glycogen storage disease, type II (IOPD). Also called: Glucosidase acid-1,4-alpha deficiency; Pompe Disease; CARDIOMEGALIA GLYCOGENICA DIFFUSA; Glycogen storage disease type 2; Acid maltase deficiency disease; Aglucosidase alfa. Identifiers: Orphanet 365, MedGen C0017921, MONDO:0009290, OMIM 232300.

Submission:

Natera, Inc.
Classification: Likely pathogenic for Glycogen storage disease type II. Last evaluated: 2024-07-12. Review status: criteria provided, single submitter. Criteria: Natera Variant Classification Schema (03/2026). Collection method: clinical testing. Allele origin: germline.
Comment: The c.956-2_956del variant in GAA is a canonical splice acceptor site variant predicted to affect pre-mRNA splicing, which may result in an abnormal transcript and altered protein product. This variant is expected to result in nonsense mediated decay, truncation, or a dysfunctional protein product. This variant is rare in the general population with a frequency below the threshold expected for the associated phenotype(s). Given the available evidence, this variant is classified as Likely Pathogenic.